The following is an entry in ClinVar:

ClinVar aggregate classification (germline): Uncertain significance (1 of 4 stars; one submission).

gnomAD v4.1: 1 of 1,614,090 alleles (0.000062%); highest among the groups gnomAD compares: South Asian, 0.0011%; no homozygotes.

Submission:

Labcorp Genetics (formerly Invitae), Labcorp
Classification: Uncertain significance. Last evaluated: 2025-10-07. Review status: criteria provided, single submitter. Criteria: Invitae Variant Classification Sherloc (09022015). Collection method: clinical testing. Allele origin: germline.
Comment: This sequence change replaces serine, which is neutral and polar, with phenylalanine, which is neutral and non-polar, at codon 66 of the TAOK2 protein (p.Ser66Phe). This variant is not present in population databases (gnomAD no frequency). This variant has not been reported in the literature in individuals affected with TAOK2-related conditions. An algorithm developed to predict the effect of missense changes on protein structure and function (PolyPhen-2) suggests that this variant is likely to be disruptive. In summary, the available evidence is currently insufficient to determine the role of this variant in disease. Therefore, it has been classified as a Variant of Uncertain Significance.

NM_016151.4(TAOK2):c.197C>T (p.Ser66Phe)

Gene: TAOK2 (TAO kinase 2; plus strand). Cytogenetic location: 16p11.2.
Variant type: single nucleotide variant.
Coding change: c.197C>T on transcript NM_016151.4 (MANE Select); coding-DNA position 197, C replaced by T.
Protein change: p.Ser66Phe; replaces serine 66 with phenylalanine.
Molecular consequence: missense variant.
Genome position (GRCh38, 1-based): chr16:29,978,153, C>T. VCF-style: chr16-29978153-C-T. GRCh37 (hg19) VCF-style: chr16-29989474-C-T.
Other names: c.197C>T, p.Ser66Phe (NM_001252043.2, NM_004783.4); short protein forms S66F.
Identifiers: ClinVar variation 4722655 (VCV004722655.1).
Genomic context (GRCh38, chr16:29,978,153, plus strand): 5'-GGGATGTCCGGAATAGTGAGGTGGTGGCCATCAAGAAGATGTCCTACAGTGGGAAGCAGT[C>T]CAATGAGGTGGGCCAGGTGCAATACAGCCAGGTTGGGGACAGGGGACTCCTGTCTCAAGA-3'
Protein context (NP_057235.2, residues 56-76): IKKMSYSGKQ[Ser66Phe]NEKWQDIIKE